The following is an entry in ClinVar:

NM_000138.5(FBN1):c.2462G>A (p.Cys821Tyr)

Gene: FBN1 (fibrillin 1; minus strand). Cytogenetic location: 15q21.1.
Variant type: single nucleotide variant.
Coding change: c.2462G>A on transcript NM_000138.5 (MANE Select); coding-DNA position 2462, G replaced by A.
Protein change: p.Cys821Tyr; replaces cysteine 821 with tyrosine.
Molecular consequence: missense variant.
Genome position (GRCh38, 1-based): chr15:48,495,546, C>T on the plus strand (G>A on the coding strand, the complement: FBN1 is on the minus strand). VCF-style: chr15-48495546-C-T. GRCh37 (hg19) VCF-style: chr15-48787743-C-T.
Other names: short protein forms C821Y.
Identifiers: ClinVar variation 962932 (VCV000962932.9), dbSNP rs2043600123, ClinGen allele CA392334594.

ClinVar aggregate classification (germline): Pathogenic (1 of 4 stars; one submission).

Conditions:
Marfan syndrome (MFS). Also called: FBN1-Related Marfan Syndrome; MARFAN SYNDROME, TYPE I; Marfan syndrome type 1; Marfan's syndrome; Marfan syndrome, classic. Identifiers: Orphanet 284963, Orphanet 558, MedGen C0024796, MONDO:0007947, OMIM 154700.
Familial thoracic aortic aneurysm and aortic dissection (TAAD). Also called: Thoracic aortic aneurysms and dissections. Identifiers: Orphanet 91387, MedGen C4707243, MONDO:0019625.

Allele frequency attached by ClinVar (database versions not stated): gnomAD exomes below 0.00001.
gnomAD v4.1: 1 of 1,614,032 alleles (0.000062%); highest among the groups gnomAD compares: Non-Finnish European, 0.000085%; no homozygotes.

Submission:

Labcorp Genetics (formerly Invitae), Labcorp
Classification: Pathogenic for Marfan syndrome; Familial thoracic aortic aneurysm and aortic dissection. Last evaluated: 2023-07-14. Review status: criteria provided, single submitter. Criteria: Invitae Variant Classification Sherloc (09022015). Collection method: clinical testing. Allele origin: germline.
Comment: Advanced modeling of protein sequence and biophysical properties (such as structural, functional, and spatial information, amino acid conservation, physicochemical variation, residue mobility, and thermodynamic stability) performed at Invitae indicates that this missense variant is expected to disrupt FBN1 protein function. ClinVar contains an entry for this variant (Variation ID: 962932). This missense change has been observed in individuals with Marfan syndrome (PMID: 19839986, 20085885). This variant is not present in population databases (gnomAD no frequency). This sequence change replaces cysteine, which is neutral and slightly polar, with tyrosine, which is neutral and polar, at codon 821 of the FBN1 protein (p.Cys821Tyr). This variant affects a cysteine residue in the EGF-like, TGFBP or hybrid motif domains of FBN1. Cysteine residues are believed to be involved in intramolecular disulfide bridges and have been shown to be important for FBN1 protein structure (PMID: 16905551, 19349279). In addition, missense substitutions affecting cysteine residues within these domains are significantly overrepresented among patients with Marfan syndrome (PMID: 16571647, 17701892). For these reasons, this variant has been classified as Pathogenic.

Literature cited by the submitters: PubMed 19839986; PubMed 20085885; PubMed 16905551; PubMed 19349279; PubMed 16571647; PubMed 17701892.